The following is an entry in ClinVar:

NM_006147.4(IRF6):c.908T>A (p.Ile303Asn)

Gene: IRF6 (interferon regulatory factor 6; minus strand). Cytogenetic location: 1q32.2.
Variant type: single nucleotide variant.
Coding change: c.908T>A on transcript NM_006147.4 (MANE Select); coding-DNA position 908, T replaced by A.
Protein change: p.Ile303Asn; replaces isoleucine 303 with asparagine.
Molecular consequence: missense variant.
Genome position (GRCh38, 1-based): chr1:209,790,647, A>T on the plus strand (T>A on the coding strand, the complement: IRF6 is on the minus strand). VCF-style: chr1-209790647-A-T. GRCh37 (hg19) VCF-style: chr1-209963992-A-T.
Other names: c.623T>A, p.Ile208Asn (NM_001206696.2); short protein forms I208N, I303N.
Identifiers: ClinVar variation 3776470 (VCV003776470.2).

ClinVar aggregate classification (germline): Uncertain significance. Review status: criteria provided, multiple submitters, no conflicts (2 of 4 stars). 2 submissions from 2 submitters: Uncertain significance (2). Last evaluated 2024-09-28.

Submissions (2):

GeneDx
Classification: Uncertain significance. Last evaluated: 2024-09-28. Review status: criteria provided, single submitter. Criteria: GeneDx Variant Classification Process June 2021. Collection method: clinical testing. Allele origin: germline. Affected: yes.
Comment: Not observed at significant frequency in large population cohorts (gnomAD); In silico analysis supports that this missense variant has a deleterious effect on protein structure/function; Has not been previously published as pathogenic or benign to our knowledge

Revvity Omics, Revvity
Classification: Uncertain significance. Last evaluated: 2023-09-06. Review status: criteria provided, single submitter. Criteria: ACMG Guidelines, 2015. Collection method: clinical testing. Allele origin: germline.